The following is an entry in ClinVar:

ClinVar aggregate classification (germline): Uncertain significance (1 of 4 stars; one submission).

Submission:

GeneDx
Classification: Uncertain significance. Last evaluated: 2025-09-02. Review status: criteria provided, single submitter. Criteria: GeneDx Variant Classification Process June 2021. Collection method: clinical testing. Allele origin: germline. Affected: yes.
Comment: In silico analysis supports a deleterious effect on splicing; Located in a regulatory region; in the absence of functional studies, the actual effect of this sequence change is unknown; No data available from control populations to assess the frequency of this variant; Has not been previously published as pathogenic or benign to our knowledge

NM_006885.4(ZFHX3):c.-50+1G>C

Gene: ZFHX3 (zinc finger homeobox 3; minus strand). Cytogenetic location: 16q22.3.
Variant type: single nucleotide variant.
Coding change: c.-50+1G>C on transcript NM_006885.4 (MANE Select); the canonical splice donor site of the intron after 50 bases upstream of the start codon, G replaced by C.
Molecular consequence: splice donor variant. On other transcripts: intron variant (2).
Genome position (GRCh38, 1-based): chr16:73,047,751, C>G on the plus strand (G>C on the coding strand, the complement: ZFHX3 is on the minus strand). VCF-style: chr16-73047751-C-G. GRCh37 (hg19) VCF-style: chr16-73081650-C-G.
Other names: c.-50+45484G>C (NM_001386735.1); c.-24+10779G>C (NM_001164766.2).
Identifiers: ClinVar variation 4813264 (VCV004813264.1).